The following is an entry in ClinVar:

ClinVar aggregate classification (germline): Likely benign. Review status: criteria provided, multiple submitters, no conflicts (2 of 4 stars). 3 submissions from 3 submitters: Likely benign (3). Last evaluated 2026-04-01.

Conditions:
MAPK8IP3-related disorder. Also called: MAPK8IP3-related condition.

gnomAD v4.1: 382 of 1,600,284 alleles (0.024%); highest among the groups gnomAD compares: African/African-American, 0.028%; no homozygotes.

Submissions (3):

CeGaT Center for Human Genetics Tuebingen
Classification: Likely benign. Last evaluated: 2026-04-01. Review status: criteria provided, single submitter. Criteria: CeGaT Center For Human Genetics Tuebingen Variant Classification Criteria Version 2. Collection method: clinical testing. Allele origin: germline. Affected: yes. Observed: 3 variant alleles.
Comment: MAPK8IP3: BP4, BP7

PreventionGenetics, part of Exact Sciences
Classification: Likely benign for MAPK8IP3-related condition. Last evaluated: 2024-12-21. Review status: criteria provided, single submitter. Criteria: ACMG Guidelines, 2015. Collection method: clinical testing. Allele origin: germline.
Comment: This variant is classified as likely benign based on ACMG/AMP sequence variant interpretation guidelines (Richards et al. 2015 PMID: 25741868, with internal and published modifications).

Blueprint Genetics
Classification: Likely benign. Last evaluated: 2024-08-30. Review status: criteria provided, single submitter. Criteria: ACMG Guidelines, 2015. Collection method: clinical testing. Allele origin: germline.

NM_001318852.2(MAPK8IP3):c.3735G>A (p.Ser1245=)

Gene: MAPK8IP3 (mitogen-activated protein kinase 8 interacting protein 3; plus strand). Cytogenetic location: 16p13.3.
Variant type: single nucleotide variant.
Coding change: c.3735G>A on transcript NM_001318852.2 (MANE Select); coding-DNA position 3735, G replaced by A.
Protein change: p.Ser1245=; no amino-acid change (serine 1245 retained).
Molecular consequence: synonymous variant.
Genome position (GRCh38, 1-based): chr16:1,768,371, G>A. VCF-style: chr16-1768371-G-A. GRCh37 (hg19) VCF-style: chr16-1818372-G-A.
Other names: c.3714G>A, p.Ser1238= (NM_001040439.2); c.3732G>A, p.Ser1244= (NM_015133.5); c.3735G>A (NM_001318852.1).
Identifiers: ClinVar variation 4534256 (VCV004534256.8).